The following is an entry in ClinVar:

NM_000718.4(CACNA1B):c.2638G>A (p.Gly880Ser)

Gene: CACNA1B (calcium voltage-gated channel subunit alpha1 B; plus strand). Cytogenetic location: 9q34.3.
Variant type: single nucleotide variant.
Coding change: c.2638G>A on transcript NM_000718.4 (MANE Select); coding-DNA position 2638, G replaced by A.
Protein change: p.Gly880Ser; replaces glycine 880 with serine.
Molecular consequence: missense variant.
Genome position (GRCh38, 1-based): chr9:138,023,381, G>A. VCF-style: chr9-138023381-G-A. GRCh37 (hg19) VCF-style: chr9-140917833-G-A.
Other names: c.2638G>A, p.Gly880Ser (NM_001243812.2); c.2638G>A (NM_000718.3); short protein forms G880S.
Identifiers: ClinVar variation 2421849 (VCV002421849.4), dbSNP rs1337989769, ClinGen allele CA375809822.
Genomic context (GRCh38, chr9:138,023,381, plus strand): 5'-ACCCCCGCGGCGGGGGACCAGGACCGAGCAGAGGCCCCGAAGGCGGAGAGCGGGGAGCCC[G>A]GTGCCCGGGAGGAGCGGCCGCGGCCGCACCGCAGCCACAGCAAGGAGGCCGCGGGGCCCC-3'
Protein context (NP_000709.1, residues 870-890): EAPKAESGEP[Gly880Ser]AREERPRPHR

ClinVar aggregate classification (germline): Uncertain significance. Review status: criteria provided, multiple submitters, no conflicts (2 of 4 stars). 2 submissions from 2 submitters: Uncertain significance (2). Last evaluated 2024-01-30.

Allele frequency attached by ClinVar (database versions not stated): gnomAD exomes 0.00001; TOPMed 0.00002; gnomAD 0.00003.
gnomAD v4.1: 14 of 1,379,498 alleles (0.001%); highest among the groups gnomAD compares: Non-Finnish European, 0.0013%; no homozygotes.

Submissions (2):

Ambry Genetics
Classification: Uncertain significance. Last evaluated: 2024-01-30. Review status: criteria provided, single submitter. Criteria: Ambry Variant Classification Scheme 2023. Collection method: clinical testing. Allele origin: germline.

Labcorp Genetics (formerly Invitae), Labcorp
Classification: Uncertain significance. Last evaluated: 2022-06-26. Review status: criteria provided, single submitter. Criteria: Invitae Variant Classification Sherloc (09022015). Collection method: clinical testing. Allele origin: germline.
Comment: This sequence change replaces glycine, which is neutral and non-polar, with serine, which is neutral and polar, at codon 880 of the CACNA1B protein (p.Gly880Ser). This variant is present in population databases (no rsID available, gnomAD 0.007%). This variant has not been reported in the literature in individuals affected with CACNA1B-related conditions. Advanced modeling of protein sequence and biophysical properties (such as structural, functional, and spatial information, amino acid conservation, physicochemical variation, residue mobility, and thermodynamic stability) performed at Invitae indicates that this missense variant is not expected to disrupt CACNA1B protein function. In summary, the available evidence is currently insufficient to determine the role of this variant in disease. Therefore, it has been classified as a Variant of Uncertain Significance.